The following is an entry in ClinVar:

ClinVar aggregate classification (germline): Uncertain significance (1 of 4 stars; one submission).

Conditions:
BRIP1-related disorder. Also called: BRIP1-related condition; BRIP1-related disorders. Identifiers: MedGen CN239206.

Submission:

PreventionGenetics, part of Exact Sciences
Classification: Uncertain significance for BRIP1-related condition. Last evaluated: 2026-06-23. Review status: criteria provided, single submitter. Criteria: ACMG Guidelines, 2015. Collection method: clinical testing. Allele origin: germline.
Comment: The BRIP1 c.1708T>A variant is predicted to result in the amino acid substitution p.Leu570Met. To our knowledge, this variant has not been reported in the literature or in a large population database (gnomAD), indicating this variant is rare. At this time, the clinical significance of this variant is uncertain due to the absence of conclusive functional and genetic evidence.

NM_032043.3(BRIP1):c.1708T>A (p.Leu570Met)

Gene: BRIP1 (BRCA1 interacting DNA helicase 1; minus strand). Cytogenetic location: 17q23.2.
Variant type: single nucleotide variant.
Coding change: c.1708T>A on transcript NM_032043.3 (MANE Select); coding-DNA position 1708, T replaced by A.
Protein change: p.Leu570Met; replaces leucine 570 with methionine.
Molecular consequence: missense variant.
Genome position (GRCh38, 1-based): chr17:61,780,926, A>T on the plus strand (T>A on the coding strand, the complement: BRIP1 is on the minus strand). VCF-style: chr17-61780926-A-T. GRCh37 (hg19) VCF-style: chr17-59858287-A-T.
Other names: short protein forms L570M.
Identifiers: ClinVar variation 4991742 (VCV004991742.1).
Genomic context (GRCh38, chr17:61,780,926, plus strand): 5'-TTAGCACATGAACTGCAGTTTTCTGTCGTGAACGTTTCTTATTTTTTGGTAGAACCAACA[A>T]CCCATTTTTGTCTGAAATATCAATCTGATTTGTCCAGGAGTAAGTCTGTTGAATCGCAAT-3'
Protein context (NP_114432.2, residues 560-580): NQIDISDKNG[Leu570Met]LVLPKNKKRS